The following is an entry in ClinVar:

NM_001267550.2(TTN):c.107504T>G (p.Phe35835Cys)

Genes: TTN (titin; minus strand), TTN-AS1 (TTN antisense RNA 1; plus strand). Cytogenetic location: 2q31.2.
Variant type: single nucleotide variant.
Coding change: c.107504T>G on transcript NM_001267550.2 (MANE Select); coding-DNA position 107504, T replaced by G.
Protein change: p.Phe35835Cys; replaces phenylalanine 35835 with cysteine.
Molecular consequence: missense variant.
Genome position (GRCh38, 1-based): chr2:178,527,622, A>C on the plus strand (T>G on the coding strand, the complement: TTN is on the minus strand). VCF-style: chr2-178527622-A-C. GRCh37 (hg19) VCF-style: chr2-179392349-A-C.
Other names: c.102581T>G, p.Phe34194Cys (NM_001256850.1); c.80309T>G, p.Phe26770Cys (NM_003319.4); c.99800T>G, p.Phe33267Cys (NM_133378.4); c.80684T>G, p.Phe26895Cys (NM_133432.3); c.80885T>G, p.Phe26962Cys (NM_133437.4); short protein forms F26770C, F26895C, F26962C, F33267C, F34194C, F35835C.
Identifiers: ClinVar variation 1007463 (VCV001007463.9), dbSNP rs1687009141, ClinGen allele CA349400678.

ClinVar aggregate classification (germline): Uncertain significance (1 of 4 stars; one submission).

Conditions:
Dilated cardiomyopathy 1G (CMD1G). Identifiers: Orphanet 154, MedGen C1858763, MONDO:0011400, OMIM 604145.
Autosomal recessive limb-girdle muscular dystrophy type 2J (LGMDR10). Also called: Limb-girdle muscular dystrophy, type 2J; MUSCULAR DYSTROPHY, LIMB-GIRDLE, AUTOSOMAL RECESSIVE 10. Identifiers: Orphanet 140922, MedGen C1837342, MONDO:0012127, OMIM 608807.

Allele frequency attached by ClinVar (database versions not stated): gnomAD exomes below 0.00001.
gnomAD v4.1: 2 of 1,614,014 alleles (0.00012%); highest among the groups gnomAD compares: Non-Finnish European, 0.000085%; no homozygotes.

Submission:

Labcorp Genetics (formerly Invitae), Labcorp
Classification: Uncertain significance for Dilated cardiomyopathy 1G; Autosomal recessive limb-girdle muscular dystrophy type 2J. Last evaluated: 2024-09-03. Review status: criteria provided, single submitter. Criteria: Invitae Variant Classification Sherloc (09022015). Collection method: clinical testing. Allele origin: germline.
Comment: This sequence change replaces phenylalanine, which is neutral and non-polar, with cysteine, which is neutral and slightly polar, at codon 35835 of the TTN protein (p.Phe35835Cys). This variant is not present in population databases (gnomAD no frequency). This variant has not been reported in the literature in individuals affected with TTN-related conditions. ClinVar contains an entry for this variant (Variation ID: 1007463). Experimental studies and prediction algorithms are not available or were not evaluated, and the functional significance of this variant is currently unknown. This variant is located in the M band of TTN (PMID: 25589632). Non-truncating variants in this region may be relevant for neuromuscular disorders, but have not been definitively shown to cause cardiomyopathy (PMID: 23975875). In summary, the available evidence is currently insufficient to determine the role of this variant in disease. Therefore, it has been classified as a Variant of Uncertain Significance.

Literature cited by the submitters: PubMed 25589632; PubMed 23975875.